The following is an entry in ClinVar:

ClinVar aggregate classification (germline): Uncertain significance (1 of 4 stars; one submission).

Submission:

Ambry Genetics
Classification: Uncertain significance. Last evaluated: 2025-10-23. Review status: criteria provided, single submitter. Criteria: Ambry Variant Classification Scheme 2023. Collection method: clinical testing. Allele origin: germline.
Comment: The p.V979I variant (also known as c.2935G>A), located in coding exon 1 of the MLH3 gene, results from a G to A substitution at nucleotide position 2935. The valine at codon 979 is replaced by isoleucine, an amino acid with highly similar properties. This amino acid position is conserved. In addition, this alteration is predicted to be tolerated by in silico analysis. Since supporting evidence is limited at this time, the clinical significance of this alteration remains unclear.

NM_001040108.2(MLH3):c.2935G>A (p.Val979Ile)

Gene: MLH3 (mutL homolog 3; minus strand). Cytogenetic location: 14q24.3.
Variant type: single nucleotide variant.
Coding change: c.2935G>A on transcript NM_001040108.2 (MANE Select); coding-DNA position 2935, G replaced by A.
Protein change: p.Val979Ile; replaces valine 979 with isoleucine.
Molecular consequence: missense variant.
Genome position (GRCh38, 1-based): chr14:75,046,721, C>T on the plus strand (G>A on the coding strand, the complement: MLH3 is on the minus strand). VCF-style: chr14-75046721-C-T. GRCh37 (hg19) VCF-style: chr14-75513424-C-T.
Other names: c.2935G>A, p.Val979Ile (NM_014381.3); short protein forms V979I.
Identifiers: ClinVar variation 1797861 (VCV001797861.4), dbSNP rs1566602843, ClinGen allele CA390437387.